The following is an entry in ClinVar:

ClinVar aggregate classification (germline): Uncertain significance. Review status: criteria provided, multiple submitters, no conflicts (2 of 4 stars). 2 submissions from 2 submitters: Uncertain significance (2). Last evaluated 2020-12-22.

Conditions:
Progressive pseudorheumatoid dysplasia (PPRD). Also called: Progressive Pseudorheumatoid Arthropathy of Childhood; SPONDYLOEPIPHYSEAL DYSPLASIA TARDA WITH PROGRESSIVE ARTHROPATHY. Identifiers: Orphanet 1159, MedGen C0432215, MONDO:0008827, OMIM 208230. Disease mechanism: loss of function.

Allele frequency attached by ClinVar (database versions not stated): gnomAD exomes below 0.00001 and 0.00001; ExAC 0.00001.
gnomAD v4.1: 16 of 1,614,064 alleles (0.00099%); highest among the groups gnomAD compares: Non-Finnish European, 0.0014%; no homozygotes.

Submissions (2):

Labcorp Genetics (formerly Invitae), Labcorp
Classification: Uncertain significance. Last evaluated: 2020-12-22. Review status: criteria provided, single submitter. Criteria: Invitae Variant Classification Sherloc (09022015). Collection method: clinical testing. Allele origin: germline.
Comment: This sequence change replaces cysteine with glycine at codon 179 of the WISP3 protein (p.Cys179Gly). The cysteine residue is highly conserved and there is a large physicochemical difference between cysteine and glycine. This variant is present in population databases (rs782783177, ExAC 0.001%). This variant has not been reported in the literature in individuals with WISP3-related conditions. ClinVar contains an entry for this variant (Variation ID: 903725). Algorithms developed to predict the effect of missense changes on protein structure and function are either unavailable or do not agree on the potential impact of this missense change (SIFT: "Deleterious"; PolyPhen-2: "Possibly Damaging"; Align-GVGD: "Class C0"). In summary, the available evidence is currently insufficient to determine the role of this variant in disease. Therefore, it has been classified as a Variant of Uncertain Significance.

Illumina Laboratory Services, Illumina
Classification: Uncertain significance for Progressive pseudorheumatoid dysplasia. Last evaluated: 2018-01-13. Review status: criteria provided, single submitter. Criteria: ICSL Variant Classification Criteria 13 December 2019. Collection method: clinical testing. Allele origin: germline.

NM_198239.2(CCN6):c.535T>G (p.Cys179Gly)

Gene: CCN6 (cellular communication network factor 6; plus strand). Cytogenetic location: 6q21.
Variant type: single nucleotide variant.
Coding change: c.535T>G on transcript NM_198239.2 (MANE Select); coding-DNA position 535, T replaced by G.
Protein change: p.Cys179Gly; replaces cysteine 179 with glycine.
Molecular consequence: missense variant. On other transcripts: non-coding transcript variant (2).
Genome position (GRCh38, 1-based): chr6:112,064,943, T>G. VCF-style: chr6-112064943-T-G. GRCh37 (hg19) VCF-style: chr6-112386146-T-G.
Other names: c.535T>G, p.Cys179Gly (NM_003880.4); short protein forms C179G.
Identifiers: ClinVar variation 903725 (VCV000903725.11), dbSNP rs782783177, ClinGen allele CA3964007.